The following is an entry in ClinVar:

ClinVar aggregate classification (germline): Benign (1 of 4 stars; one submission).

Conditions:
Papillary renal cell carcinoma type 1 (RCCP1). Also called: RENAL CELL CARCINOMA, PAPILLARY, 1, SOMATIC; Renal adenocarcinoma; Renal cell carcinoma 1; Renal cell carcinoma, somatic. Identifiers: Orphanet 47044, MedGen C1336839, OMIM 605074, HP:0011797.

Submission:

Myriad Genetics, Inc.
Classification: Benign for Papillary renal cell carcinoma type 1. Last evaluated: 2024-11-08. Review status: criteria provided, single submitter. Criteria: Myriad Autosomal Dominant, Autosomal Recessive and X-Linked Classification Criteria (2023). Collection method: clinical testing. Allele origin: unknown.
Comment: This variant is considered benign. This variant is a silent/synonymous amino acid change and it is not expected to impact splicing.

NM_000245.4(MET):c.1920T>C (p.Ile640=)

Gene: MET (MET proto-oncogene, receptor tyrosine kinase; plus strand). Cytogenetic location: 7q31.2.
Variant type: single nucleotide variant.
Coding change: c.1920T>C on transcript NM_000245.4 (MANE Select); coding-DNA position 1920, T replaced by C.
Protein change: p.Ile640=; no amino-acid change (isoleucine 640 retained).
Molecular consequence: synonymous variant.
Genome position (GRCh38, 1-based): chr7:116,757,494, T>C. VCF-style: chr7-116757494-T-C. GRCh37 (hg19) VCF-style: chr7-116397548-T-C.
Other names: c.1920T>C, p.Ile640= (NM_001127500.3, NM_001324401.3); c.630T>C, p.Ile210= (NM_001324402.2).
Identifiers: ClinVar variation 3773442 (VCV003773442.1).